The following is an entry in ClinVar:

ClinVar aggregate classification (germline): Uncertain significance. Review status: criteria provided, multiple submitters, no conflicts (2 of 4 stars). 2 submissions from 2 submitters: Uncertain significance (2). Last evaluated 2026-01-07.

Conditions:
Hereditary nonpolyposis colorectal neoplasms. Identifiers: MedGen C0009405, MeSH D003123.

Allele frequency attached by ClinVar (database versions not stated): gnomAD exomes below 0.00001.
gnomAD v4.1: 2 of 1,614,200 alleles (0.00012%); highest among the groups gnomAD compares: Non-Finnish European, 0.00017%; no homozygotes.

Submissions (2):

Labcorp Genetics (formerly Invitae), Labcorp
Classification: Uncertain significance for Hereditary nonpolyposis colorectal neoplasms. Last evaluated: 2026-01-07. Review status: criteria provided, single submitter. Criteria: Invitae Variant Classification Sherloc (09022015). Collection method: clinical testing. Allele origin: germline.
Comment: This sequence change replaces glutamic acid, which is acidic and polar, with glycine, which is neutral and non-polar, at codon 641 of the MSH6 protein (p.Glu641Gly). This variant is not present in population databases (gnomAD no frequency). This variant has not been reported in the literature in individuals affected with MSH6-related conditions. ClinVar contains an entry for this variant (Variation ID: 1519176). Invitae Evidence Modeling of protein sequence and biophysical properties (such as structural, functional, and spatial information, amino acid conservation, physicochemical variation, residue mobility, and thermodynamic stability) indicates that this missense variant is not expected to disrupt MSH6 protein function with a negative predictive value of 95%. In summary, the available evidence is currently insufficient to determine the role of this variant in disease. Therefore, it has been classified as a Variant of Uncertain Significance.

Dasa
Classification: Uncertain significance. Last evaluated: 2025-09-08. Review status: criteria provided, single submitter. Criteria: DASA Assertion Criteria. Collection method: clinical testing. Allele origin: germline.
Comment: NM_000179.3(MSH6):c.1922A>G (p.Glu641Gly) is a missense variant that results in the substitution of glutamic acid with glycine. This variant is rare in population databases. Computational prediction algorithms are consistent with a benign effect. The currently available literature and clinical evidence are not sufficient to establish a definitive association between this variant and the reported condition. Therefore, this variant is classified as a variant of uncertain significance.

NM_000179.3(MSH6):c.1922A>G (p.Glu641Gly)

Gene: MSH6 (mutS homolog 6; plus strand). Cytogenetic location: 2p16.3.
Variant type: single nucleotide variant.
Coding change: c.1922A>G on transcript NM_000179.3 (MANE Select); coding-DNA position 1922, A replaced by G.
Protein change: p.Glu641Gly; replaces glutamic acid 641 with glycine.
Molecular consequence: missense variant.
Genome position (GRCh38, 1-based): chr2:47,799,905, A>G. VCF-style: chr2-47799905-A-G. GRCh37 (hg19) VCF-style: chr2-48027044-A-G.
Other names: c.1532A>G, p.Glu511Gly (NM_001281492.2); c.1016A>G, p.Glu339Gly (NM_001281493.2, NM_001281494.2); short protein forms E339G, E511G, E641G.
Identifiers: ClinVar variation 1519176 (VCV001519176.10), dbSNP rs2104376429, ClinGen allele CA346750300.